The following is an entry in ClinVar:

NM_000238.4(KCNH2):c.1010C>G (p.Thr337Ser)

Gene: KCNH2 (potassium voltage-gated channel subfamily H member 2; minus strand). Cytogenetic location: 7q36.1.
Variant type: single nucleotide variant.
Coding change: c.1010C>G on transcript NM_000238.4 (MANE Select); coding-DNA position 1010, C replaced by G.
Protein change: p.Thr337Ser; replaces threonine 337 with serine.
Molecular consequence: missense variant.
Genome position (GRCh38, 1-based): chr7:150,957,409, G>C on the plus strand (C>G on the coding strand, the complement: KCNH2 is on the minus strand). VCF-style: chr7-150957409-G-C. GRCh37 (hg19) VCF-style: chr7-150654497-G-C.
Other names: c.722C>G, p.Thr241Ser (NM_001406753.1, NM_001406756.1); c.833C>G, p.Thr278Ser (NM_001406755.1); c.710C>G, p.Thr237Ser (NM_001406757.1); c.1010C>G, p.Thr337Ser (NM_172056.3); short protein forms T337S, T241S, T278S, T237S.
Identifiers: ClinVar variation 1043131 (VCV001043131.11), dbSNP rs41311018, ClinGen allele CA026662.

ClinVar aggregate classification (germline): Uncertain significance. Review status: criteria provided, multiple submitters, no conflicts (2 of 4 stars). 3 submissions from 3 submitters: Uncertain significance (3). Last evaluated 2025-08-31.

Conditions:
Long QT syndrome (LQTS). Identifiers: MedGen C0023976, MeSH D008133, MONDO:0002442. Disease mechanism: loss of function. Inheritance: Various modes of inheritance.
Cardiac arrhythmia. Also called: Cardiac rhythm disease; Arrhythmia. Identifiers: MedGen C0003811, MONDO:0007263, HP:0011675.

Allele frequency attached by ClinVar (database versions not stated): gnomAD 0.00001; gnomAD exomes 0.00001; ExAC 0.00002; TOPMed 0.00003.
gnomAD v4.1: 7 of 1,614,058 alleles (0.00043%); highest among the groups gnomAD compares: Admixed American, 0.0067%; no homozygotes.

Submissions (3):

Labcorp Genetics (formerly Invitae), Labcorp
Classification: Uncertain significance for Long QT syndrome. Last evaluated: 2025-08-31. Review status: criteria provided, single submitter. Criteria: Invitae Variant Classification Sherloc (09022015). Collection method: clinical testing. Allele origin: germline.
Comment: This sequence change replaces threonine, which is neutral and polar, with serine, which is neutral and polar, at codon 337 of the KCNH2 protein (p.Thr337Ser). This variant is present in population databases (rs41311018, gnomAD 0.006%). This variant has not been reported in the literature in individuals affected with KCNH2-related conditions. ClinVar contains an entry for this variant (Variation ID: 1043131). An algorithm developed to predict the effect of missense changes on protein structure and function (PolyPhen-2) suggests that this variant is likely to be tolerated. In summary, the available evidence is currently insufficient to determine the role of this variant in disease. Therefore, it has been classified as a Variant of Uncertain Significance.

All of Us Research Program, National Institutes of Health
Classification: Uncertain significance for Long QT syndrome. Last evaluated: 2024-06-09. Review status: criteria provided, single submitter. Criteria: ACMG Guidelines, 2015. Collection method: clinical testing. Allele origin: germline. Inheritance: Autosomal dominant inheritance. Observed: 5 variant alleles, 5 heterozygotes.
Comment: This missense variant replaces threonine with serine at codon 337 of the KCNH2 protein. Computational prediction is inconclusive regarding the impact of this variant on protein structure and function (internally defined REVEL score threshold 0.5 < inconclusive < 0.7, PMID: 27666373). To our knowledge, functional studies have not been reported for this variant. This variant has not been reported in individuals affected with KCNH2-related disorders in the literature. This variant has been identified in 3/250874 chromosomes in the general population by the Genome Aggregation Database (gnomAD). The available evidence is insufficient to determine the role of this variant in disease conclusively. Therefore, this variant is classified as a Variant of Uncertain Significance.

This study involves interpretation of variants in research participants for the purpose of population health screening. Participant phenotype was not available at the time of variant classification. Additional details can be found in publication PMID: 35346344, PMCID: PMC8962531

Color Diagnostics, LLC DBA Color Health
Classification: Uncertain significance for Cardiac arrhythmia. Last evaluated: 2024-05-14. Review status: criteria provided, single submitter. Criteria: ACMG Guidelines, 2015. Collection method: clinical testing. Allele origin: germline.
Comment: This missense variant replaces threonine with serine at codon 337 of the KCNH2 protein. Computational prediction is inconclusive regarding the impact of this variant on protein structure and function (internally defined REVEL score threshold 0.5 < inconclusive < 0.7, PMID: 27666373). To our knowledge, functional studies have not been reported for this variant. This variant has not been reported in individuals affected with KCNH2-related disorders in the literature. This variant has been identified in 3/250874 chromosomes in the general population by the Genome Aggregation Database (gnomAD). The available evidence is insufficient to determine the role of this variant in disease conclusively. Therefore, this variant is classified as a Variant of Uncertain Significance.